The following is an entry in ClinVar:

NM_032608.7(MYO18B):c.3994C>T (p.Arg1332Ter)

Gene: MYO18B (myosin XVIIIB; plus strand). Cytogenetic location: 22q12.1.
Variant type: single nucleotide variant.
Coding change: c.3994C>T on transcript NM_032608.7 (MANE Select); coding-DNA position 3994, C replaced by T.
Protein change: p.Arg1332Ter; replaces arginine 1332 with a stop codon.
Molecular consequence: nonsense.
Genome position (GRCh38, 1-based): chr22:25,874,328, C>T. VCF-style: chr22-25874328-C-T. GRCh37 (hg19) VCF-style: chr22-26270295-C-T.
Other names: c.3997C>T, p.Arg1333Ter (NM_001318245.2); short protein forms R1332*, R1333*.
Identifiers: ClinVar variation 2086665 (VCV002086665.6), dbSNP rs774220315, ClinGen allele CA10160722.

ClinVar aggregate classification (germline): Pathogenic/Likely pathogenic. Review status: criteria provided, multiple submitters, no conflicts (2 of 4 stars). 2 submissions from 2 submitters: Pathogenic (1); Likely pathogenic (1). Last evaluated 2024-02-25.

Conditions:
Klippel-Feil anomaly-myopathy-facial dysmorphism syndrome. Also called: Klippel-Feil syndrome 4, autosomal recessive, with myopathy and facial dysmorphism; Klippel-feil syndrome 4, autosomal recessive, with nemaline myopathy and facial dysmorphism. Identifiers: Orphanet 447974, MedGen C4225285, MONDO:0014689, OMIM 616549.

Allele frequency attached by ClinVar (database versions not stated): gnomAD exomes 0.00001; ExAC 0.00002.
gnomAD v4.1: 10 of 1,613,898 alleles (0.00062%); highest among the groups gnomAD compares: East Asian, 0.0022%; no homozygotes.

Submissions (2):

Labcorp Genetics (formerly Invitae), Labcorp
Classification: Pathogenic. Last evaluated: 2024-02-25. Review status: criteria provided, single submitter. Criteria: Invitae Variant Classification Sherloc (09022015). Collection method: clinical testing. Allele origin: germline.
Comment: This sequence change creates a premature translational stop signal (p.Arg1332*) in the MYO18B gene. It is expected to result in an absent or disrupted protein product. Loss-of-function variants in MYO18B are known to be pathogenic (PMID: 25748484, 32184166, 32637634). This variant is present in population databases (rs774220315, gnomAD 0.006%). This variant has not been reported in the literature in individuals affected with MYO18B-related conditions. ClinVar contains an entry for this variant (Variation ID: 2086665). Algorithms developed to predict the effect of sequence changes on RNA splicing suggest that this variant may disrupt the consensus splice site. For these reasons, this variant has been classified as Pathogenic.

Juno Genomics, Hangzhou Juno Genomics, Inc
Classification: Likely pathogenic for Klippel-Feil anomaly-myopathy-facial dysmorphism syndrome. Review status: criteria provided, single submitter. Criteria: ACMG Guidelines, 2015. Collection method: clinical testing. Allele origin: germline.
Comment: Null variant in a gene where loss of function (LOF) is a known mechanism of disease.;Absent from controls (or at extremely low frequency if recessive) in Genome Aggregation Database.

Literature cited by the submitters: PubMed 25748484 (cited by Labcorp Genetics (formerly Invitae), Labcorp); PubMed 32184166 (cited by Labcorp Genetics (formerly Invitae), Labcorp); PubMed 32637634 (cited by Labcorp Genetics (formerly Invitae), Labcorp).